The following is an entry in ClinVar:

ClinVar aggregate classification (germline): Uncertain significance (1 of 4 stars; one submission).

Submission:

Labcorp Genetics (formerly Invitae), Labcorp
Classification: Uncertain significance. Last evaluated: 2024-10-02. Review status: criteria provided, single submitter. Criteria: Invitae Variant Classification Sherloc (09022015). Collection method: clinical testing. Allele origin: germline.
Comment: This sequence change replaces aspartic acid, which is acidic and polar, with valine, which is neutral and non-polar, at codon 440 of the DNAH9 protein (p.Asp440Val). This variant is not present in population databases (gnomAD no frequency). This variant has not been reported in the literature in individuals affected with DNAH9-related conditions. An algorithm developed to predict the effect of missense changes on protein structure and function (PolyPhen-2) suggests that this variant is likely to be disruptive. In summary, the available evidence is currently insufficient to determine the role of this variant in disease. Therefore, it has been classified as a Variant of Uncertain Significance.

NM_001372.4(DNAH9):c.1319A>T (p.Asp440Val)

Gene: DNAH9 (dynein axonemal heavy chain 9; plus strand). Cytogenetic location: 17p12.
Variant type: single nucleotide variant.
Coding change: c.1319A>T on transcript NM_001372.4 (MANE Select); coding-DNA position 1319, A replaced by T.
Protein change: p.Asp440Val; replaces aspartic acid 440 with valine.
Molecular consequence: missense variant.
Genome position (GRCh38, 1-based): chr17:11,619,750, A>T. VCF-style: chr17-11619750-A-T. GRCh37 (hg19) VCF-style: chr17-11523067-A-T.
Other names: short protein forms D440V.
Identifiers: ClinVar variation 3722033 (VCV003722033.2).